The following is an entry in ClinVar:

ClinVar aggregate classification (germline): Conflicting classifications of pathogenicity. Review status: criteria provided, conflicting classifications (1 of 4 stars). 11 submissions from 11 submitters: Uncertain significance (9); Likely benign (1). 1 of the submissions does not count toward it. Last evaluated 2024-12-29.

Conditions:
Microcephaly, normal intelligence and immunodeficiency (NBS). Also called: BERLIN BREAKAGE SYNDROME; IMMUNODEFICIENCY, MICROCEPHALY, AND CHROMOSOMAL INSTABILITY; Immunodeficiency, microcephaly with normal intelligence; Nijmegen breakage syndrome; Microcephaly with normal intelligence immunodeficiency and lymphoreticular malignancies; Nonsyndromal microcephaly autosomal recessive with normal intelligence. Identifiers: Orphanet 647, MedGen C0398791, MONDO:0009623, OMIM 251260.
Acute lymphoid leukemia (ALL). Also called: Leukemia, acute lymphoblastic, somatic; Lymphoblastic leukemia; Acute lymphoblastic leukemia; Acute lymphocytic leukemia. Identifiers: Orphanet 513, MedGen C0023449, MONDO:0004967, OMIM 613065, HP:0006721.
Aplastic anemia. Identifiers: Orphanet 182040, Orphanet 88, MedGen C0002874, MONDO:0015909, OMIM 609135, HP:0001915.
Hereditary cancer-predisposing syndrome. Also called: Neoplastic Syndromes, Hereditary; Hereditary neoplastic syndrome; Hereditary Cancer Syndrome; Tumor predisposition. Identifiers: Orphanet 140162, MedGen C0027672, MeSH D009386, MONDO:0015356.

Allele frequency attached by ClinVar (database versions not stated): gnomAD exomes 0.00002 and 0.00003; ExAC 0.00003; gnomAD 0.00003 and 0.00004; TOPMed 0.00003.

Submissions (11):

Labcorp Genetics (formerly Invitae), Labcorp
Classification: Uncertain significance for Microcephaly, normal intelligence and immunodeficiency. Last evaluated: 2024-12-29. Review status: criteria provided, single submitter. Criteria: Invitae Variant Classification Sherloc (09022015). Collection method: clinical testing. Allele origin: germline.
Comment: This sequence change replaces proline, which is neutral and non-polar, with serine, which is neutral and polar, at codon 199 of the NBN protein (p.Pro199Ser). This variant is present in population databases (rs587780097, gnomAD 0.04%). This missense change has been observed in individual(s) with breast cancer (PMID: 22491912, 27616075, 29522266). ClinVar contains an entry for this variant (Variation ID: 127874). An algorithm developed to predict the effect of missense changes on protein structure and function (PolyPhen-2) suggests that this variant¬†is likely to be tolerated. In summary, the available evidence is currently insufficient to determine the role of this variant in disease. Therefore, it has been classified as a Variant of Uncertain Significance.

Hema, HEMA – Genetic and Molecular Diagnostic Laboratory
Classification: Uncertain significance for Microcephaly, normal intelligence and immunodeficiency. Last evaluated: 2024-09-09. Review status: criteria provided, single submitter. Criteria: HEMA Variant Classification Assertion Criteria. Collection method: clinical testing. Allele origin: germline.
Comment: The c.595C>T (p.Pro199Ser) variant is a transition from guanine to adenine, resulting in the substitution of proline 199 with serine in the NBN protein. PM2_Supporting: Present at very low frequency in gnomAD. BP4_Moderate: The computational metapredictor REVEL score = 0.181 ≤ 0.183, indicating that the variant is not likely to have an effect on the NBN protein.

GeneDx
Classification: Uncertain significance. Last evaluated: 2023-04-17. Review status: criteria provided, single submitter. Criteria: GeneDx Variant Classification Process June 2021. Collection method: clinical testing. Allele origin: germline. Affected: yes.
Comment: In silico analysis supports that this missense variant has a deleterious effect on protein structure/function; Observed in individuals with a personal history of breast cancer (Mateju et al., 2012; Kraus et al., 2017; Hauke et al., 2018); This variant is associated with the following publications: (PMID: 29522266, 22491912, 27616075, 28796236, 24894818)

ARUP Laboratories, Molecular Genetics and Genomics, ARUP Laboratories
Classification: Uncertain significance. Last evaluated: 2023-03-27. Review status: criteria provided, single submitter. Criteria: ARUP Molecular Germline Variant Investigation Process 2024. Collection method: clinical testing. Allele origin: germline.
Comment: The NBN c.595C>T; p.Pro199Ser variant (rs587780097) is reported in individuals with breast cancer (Kraus 2017, Mateju 2012). This variant is also reported in ClinVar (Variation ID: 127874). It is found on eight alleles in the Genome Aggregation Database. Computational analyses are uncertain whether this variant is neutral or deleterious (REVEL: 0.181). Due to limited information, the clinical significance of this variant is uncertain at this time. References: Kraus C et al. Gene panel sequencing in familial breast/ovarian cancer patients identifies multiple novel mutations also in genes others than BRCA1/2. Int J Cancer. 2017 Jan 1;140(1):95-102. PMID: 27616075. Mateju M et al. Germline mutations 657del5 and 643C>T (R215W) in NBN are not likely to be associated with increased risk of breast cancer in Czech women. Breast Cancer Res Treat. 2012 Jun;133(2):809-11. PMID: 22491912.

Genome-Nilou Lab
Classification: Uncertain significance for Microcephaly, normal intelligence and immunodeficiency. Last evaluated: 2021-11-07. Review status: criteria provided, single submitter. Criteria: ACMG Guidelines, 2015. Collection method: clinical testing. Allele origin: germline. Affected: no.

Sema4
Classification: Uncertain significance for Hereditary cancer-predisposing syndrome. Last evaluated: 2021-08-31. Review status: criteria provided, single submitter. Criteria: Sema4 Curation Guidelines. Collection method: curation. Allele origin: germline.
Comment: The NBN c.595C>T (p.P199S) variant has been reported in at least three individuals with breast cancer (PMIDs 22491912, 27616075, 29522266). It has been reported in 9/60466 breast cancer cases and 5/53461 healthy controls by a large case-control study (PMID: 33471991). This variant was observed in 5/10062 chromosomes in the Ashkenazi Jewish population, according to the Genome Aggregation Database (PMID: 32461654). This variant has been reported in ClinVar (Variation ID: 127874). Functional studies have not been performed and in silico predictions of the variant's effect on protein function are inconclusive. The overall evidence is insufficient to meet ACMG/AMP criteria for classifying it as benign or pathogenic. In summary, the clinical significance of this variant is currently uncertain.

Ambry Genetics
Classification: Likely benign for Hereditary cancer-predisposing syndrome. Last evaluated: 2019-11-08. Review status: criteria provided, single submitter. Criteria: Ambry Variant Classification Scheme 2023. Collection method: clinical testing. Allele origin: germline.

Quest Diagnostics Nichols Institute San Juan Capistrano
Classification: Uncertain significance. Last evaluated: 2018-10-14. Review status: criteria provided, single submitter. Criteria: Quest Diagnostics criteria. Collection method: clinical testing. Allele origin: germline.

Fulgent Genetics
Classification: Uncertain significance for Microcephaly, normal intelligence and immunodeficiency; Aplastic anemia; Acute lymphoid leukemia. Last evaluated: 2017-05-23. Review status: criteria provided, single submitter. Criteria: ACMG Guidelines, 2015. Collection method: clinical testing. Allele origin: unknown.

Illumina Laboratory Services, Illumina
Classification: Uncertain significance for Microcephaly, normal intelligence and immunodeficiency. Last evaluated: 2017-04-27. Review status: criteria provided, single submitter. Criteria: ICSL Variant Classification Criteria 13 December 2019. Collection method: clinical testing. Allele origin: germline.
Comment: This variant was observed as part of a predisposition screen in an ostensibly healthy population. A literature search was performed for the gene, cDNA change, and amino acid change (where applicable). Publications were found based on this search. However, the evidence from the literature, in combination with allele frequency data from public databases where available, was not sufficient to rule this variant in or out of causing disease. Therefore, this variant is classified as a variant of unknown significance.

Counsyl
Classification: Uncertain significance for Microcephaly, normal intelligence and immunodeficiency. Last evaluated: 2017-01-03. Review status: no assertion criteria provided. Collection method: clinical testing. Allele origin: unknown. Not counted in ClinVar's aggregate classification.

Literature cited by the submitters: PubMed 22491912 (cited by 4 submitters); PubMed 27616075 (cited by 3 submitters); PubMed 29522266 (cited by 3 submitters); PubMed 33471991 (cited by Sema4); PubMed 28796236 (cited by Quest Diagnostics Nichols Institute San Juan Capistrano).

NM_002485.5(NBN):c.595C>T (p.Pro199Ser)

Gene: NBN (nibrin; minus strand). Cytogenetic location: 8q21.3.
Variant type: single nucleotide variant.
Coding change: c.595C>T on transcript NM_002485.5 (MANE Select); coding-DNA position 595, C replaced by T.
Protein change: p.Pro199Ser; replaces proline 199 with serine.
Molecular consequence: missense variant.
Genome position (GRCh38, 1-based): chr8:89,971,280, G>A on the plus strand (C>T on the coding strand, the complement: NBN is on the minus strand). VCF-style: chr8-89971280-G-A. GRCh37 (hg19) VCF-style: chr8-90983508-G-A.
Other names: p.P199S:CCT>TCT; c.349C>T, p.Pro117Ser (NM_001024688.3); short protein forms P199S, P117S.
Identifiers: ClinVar variation 127874 (VCV000127874.29), dbSNP rs587780097, ClinGen allele CA287940.